The following is an entry in ClinVar:

ClinVar aggregate classification (germline): Uncertain significance (1 of 4 stars; one submission).

Conditions:
Hereditary cancer-predisposing syndrome. Also called: Hereditary Cancer Syndrome; Neoplastic Syndromes, Hereditary; Hereditary neoplastic syndrome; Tumor predisposition. Identifiers: Orphanet 140162, MedGen C0027672, MeSH D009386, MONDO:0015356.

Submission:

Ambry Genetics
Classification: Uncertain significance for Hereditary cancer-predisposing syndrome. Last evaluated: 2016-03-29. Review status: criteria provided, single submitter. Criteria: Ambry Variant Classification Scheme 2023. Collection method: clinical testing. Allele origin: germline.
Comment: The c.1214_1216delCTT alteration is located in coding exon 4 of the MSH6 gene. This alteration results from an in-frame deletion of CTT between nucleotide positions 1214 and 1216, resulting in the loss of a serine at codon 405. This alteration was not reported in population based cohorts in the following databases: Database of Single Nucleotide Polymorphisms (dbSNP), NHLBI Exome Sequencing Project (ESP), and 1000 Genomes Project. In the ESP, this alteration was not observed in 6503 samples (13006 alleles) with coverage of 6503 at this position. Based on nucleotide sequence alignment, this nucleotide position is not well conserved in available vertebrate species. Since supporting evidence is limited at this time, the clinical significance of this variant remains unclear.

NM_000179.3(MSH6):c.1214_1216del (p.Ser405del)

Gene: MSH6 (mutS homolog 6; plus strand). Cytogenetic location: 2p16.3.
Variant type: Deletion.
Coding change: c.1214_1216del on transcript NM_000179.3 (MANE Select); coding-DNA positions 1214 to 1216, 3 bases deleted (CTT; older notation c.1214_1216delCTT).
Protein change: p.Ser405del; deletes serine 405.
Molecular consequence: inframe deletion.
Genome position (GRCh38, 1-based): chr2:47,799,197-47,799,199, CTT deleted; deleting any 3 consecutive bases within chr2:47,799,195-47,799,199 gives the same sequence; the c. name uses the placement nearest the transcript's 3' end. VCF-style (leftmost placement, unchanged base first): chr2-47799194-ATTC-A. GRCh37 (hg19) VCF-style: chr2-48026333-ATTC-A.
Other names: c.824_826del, p.Ser275del (NM_001281492.2); c.308_310del, p.Ser103del (NM_001281493.2, NM_001281494.2); c.1214_1216delCTT (NM_000179.2); short protein forms S405del, S103del, S275del.
Identifiers: ClinVar variation 428290 (VCV000428290.5), dbSNP rs1114167691, ClinGen allele CA645369240.